The following is an entry in ClinVar:

NM_001205293.3(CACNA1E):c.1718C>T (p.Ala573Val)

Gene: CACNA1E (calcium voltage-gated channel subunit alpha1 E; plus strand). Cytogenetic location: 1q25.3.
Variant type: single nucleotide variant.
Coding change: c.1718C>T on transcript NM_001205293.3 (MANE Select); coding-DNA position 1718, C replaced by T.
Protein change: p.Ala573Val; replaces alanine 573 with valine.
Molecular consequence: missense variant.
Genome position (GRCh38, 1-based): chr1:181,719,830, C>T. VCF-style: chr1-181719830-C-T. GRCh37 (hg19) VCF-style: chr1-181688966-C-T.
Other names: c.1718C>T, p.Ala573Val (NM_000721.4, NM_001205294.2); short protein forms A573V.
Identifiers: ClinVar variation 1713333 (VCV001713333.5), dbSNP rs2528542083, ClinGen allele CA343626703.

ClinVar aggregate classification (germline): Uncertain significance (1 of 4 stars; one submission).

Submission:

Labcorp Genetics (formerly Invitae), Labcorp
Classification: Uncertain significance. Last evaluated: 2022-07-22. Review status: criteria provided, single submitter. Criteria: Invitae Variant Classification Sherloc (09022015). Collection method: clinical testing. Allele origin: germline.
Comment: In summary, the available evidence is currently insufficient to determine the role of this variant in disease. Therefore, it has been classified as a Variant of Uncertain Significance. Advanced modeling of protein sequence and biophysical properties (such as structural, functional, and spatial information, amino acid conservation, physicochemical variation, residue mobility, and thermodynamic stability) performed at Invitae indicates that this missense variant is expected to disrupt CACNA1E protein function. This variant has not been reported in the literature in individuals affected with CACNA1E-related conditions. This variant is not present in population databases (gnomAD no frequency). This sequence change replaces alanine, which is neutral and non-polar, with valine, which is neutral and non-polar, at codon 573 of the CACNA1E protein (p.Ala573Val).